The following is an entry in ClinVar:

ClinVar aggregate classification (germline): Uncertain significance. Review status: criteria provided, multiple submitters, no conflicts (2 of 4 stars). 2 submissions from 2 submitters: Uncertain significance (2). Last evaluated 2025-08-23.

Conditions:
Hereditary cancer-predisposing syndrome. Also called: Neoplastic Syndromes, Hereditary; Tumor predisposition; Hereditary Cancer Syndrome; Hereditary neoplastic syndrome. Identifiers: Orphanet 140162, MedGen C0027672, MeSH D009386, MONDO:0015356.

gnomAD v4.1: 2 of 1,613,426 alleles (0.00012%); highest among the groups gnomAD compares: Non-Finnish European, 0.00017%; no homozygotes.

Submissions (2):

Ambry Genetics
Classification: Uncertain significance for Hereditary cancer-predisposing syndrome. Last evaluated: 2025-08-23. Review status: criteria provided, single submitter. Criteria: Ambry Variant Classification Scheme 2023. Collection method: clinical testing. Allele origin: germline.
Comment: The p.L268F variant (also known as c.802C>T), located in coding exon 6 of the RAD50 gene, results from a C to T substitution at nucleotide position 802. The leucine at codon 268 is replaced by phenylalanine, an amino acid with highly similar properties. This amino acid position is well conserved in available vertebrate species. In addition, the in silico prediction for this alteration is inconclusive. Since supporting evidence is limited at this time, the clinical significance of this alteration remains unclear.

Labcorp Genetics (formerly Invitae), Labcorp
Classification: Uncertain significance for Hereditary cancer-predisposing syndrome. Last evaluated: 2022-02-18. Review status: criteria provided, single submitter. Criteria: Invitae Variant Classification Sherloc (09022015). Collection method: clinical testing. Allele origin: germline.
Comment: This sequence change replaces leucine, which is neutral and non-polar, with phenylalanine, which is neutral and non-polar, at codon 268 of the RAD50 protein (p.Leu268Phe). This variant is not present in population databases (gnomAD no frequency). This variant has not been reported in the literature in individuals affected with RAD50-related conditions. ClinVar contains an entry for this variant (Variation ID: 484650). Algorithms developed to predict the effect of missense changes on protein structure and function (SIFT, PolyPhen-2, Align-GVGD) all suggest that this variant is likely to be tolerated. In summary, the available evidence is currently insufficient to determine the role of this variant in disease. Therefore, it has been classified as a Variant of Uncertain Significance.

NM_005732.4(RAD50):c.802C>T (p.Leu268Phe)

Gene: RAD50 (RAD50 double strand break repair protein; plus strand). Cytogenetic location: 5q31.1.
Variant type: single nucleotide variant.
Coding change: c.802C>T on transcript NM_005732.4 (MANE Select); coding-DNA position 802, C replaced by T.
Protein change: p.Leu268Phe; replaces leucine 268 with phenylalanine.
Molecular consequence: missense variant.
Genome position (GRCh38, 1-based): chr5:132,587,607, C>T. VCF-style: chr5-132587607-C-T. GRCh37 (hg19) VCF-style: chr5-131923299-C-T.
Other names: short protein forms L268F.
Identifiers: ClinVar variation 484650 (VCV000484650.15), dbSNP rs760954965, ClinGen allele CA360940155.